The following is an entry in ClinVar:

ClinVar aggregate classification (germline): Uncertain significance. Review status: criteria provided, multiple submitters, no conflicts (2 of 4 stars). 6 submissions from 6 submitters: Uncertain significance (6). Last evaluated 2025-08-19.

Conditions:
Hereditary cancer-predisposing syndrome. Also called: Neoplastic Syndromes, Hereditary; Hereditary Cancer Syndrome; Tumor predisposition; Hereditary neoplastic syndrome. Identifiers: Orphanet 140162, MedGen C0027672, MeSH D009386, MONDO:0015356.
ATM-related cancer predisposition. Also called: ATM-related cancer susceptibility. Identifiers: MedGen CN377759, MONDO:0700270.
Ataxia-telangiectasia syndrome (AT). Also called: LOUIS-BAR SYNDROME; Cerebello-oculocutaneous telangiectasia; Immunodeficiency with ataxia telangiectasia; Ataxia-telangiectasia, complementation group D; AT, COMPLEMENTATION GROUP C; Ataxia-telangiectasia, complementation group E. Identifiers: Orphanet 100, MedGen C0004135, MONDO:0008840, OMIM 208900.

Allele frequency attached by ClinVar (database versions not stated): gnomAD exomes below 0.00001 and 0.00001; ExAC 0.00001.
gnomAD v4.1: 8 of 1,614,006 alleles (0.0005%); highest among the groups gnomAD compares: Non-Finnish European, 0.00068%; no homozygotes.

Submissions (6):

Ambry Genetics
Classification: Uncertain significance for Hereditary cancer-predisposing syndrome. Last evaluated: 2025-08-19. Review status: criteria provided, single submitter. Criteria: Ambry Variant Classification Scheme 2023. Collection method: clinical testing. Allele origin: germline.
Comment: The p.E2689G variant (also known as c.8066A>G), located in coding exon 54 of the ATM gene, results from an A to G substitution at nucleotide position 8066. The glutamic acid at codon 2689 is replaced by glycine, an amino acid with similar properties. This amino acid position is not well conserved in available vertebrate species. In addition, the in silico prediction for this alteration is inconclusive. Since supporting evidence is limited at this time, the clinical significance of this alteration remains unclear.

Labcorp Genetics (formerly Invitae), Labcorp
Classification: Uncertain significance for Ataxia-telangiectasia syndrome. Last evaluated: 2024-05-21. Review status: criteria provided, single submitter. Criteria: Invitae Variant Classification Sherloc (09022015). Collection method: clinical testing. Allele origin: germline.
Comment: This sequence change replaces glutamic acid, which is acidic and polar, with glycine, which is neutral and non-polar, at codon 2689 of the ATM protein (p.Glu2689Gly). This variant is present in population databases (rs759779781, gnomAD 0.0009%). This variant has not been reported in the literature in individuals affected with ATM-related conditions. ClinVar contains an entry for this variant (Variation ID: 489594). An algorithm developed to predict the effect of missense changes on protein structure and function (PolyPhen-2) suggests that this variant is likely to be tolerated. In summary, the available evidence is currently insufficient to determine the role of this variant in disease. Therefore, it has been classified as a Variant of Uncertain Significance.

GeneDx
Classification: Uncertain significance. Last evaluated: 2023-07-26. Review status: criteria provided, single submitter. Criteria: GeneDx Variant Classification Process June 2021. Collection method: clinical testing. Allele origin: germline. Affected: yes.
Comment: Not observed at significant frequency in large population cohorts (gnomAD); In silico analysis supports that this missense variant does not alter protein structure/function; Observed in a patient with breast cancer (Germani et al., 2020); This variant is associated with the following publications: (PMID: 32957588)

Department of Pathology and Laboratory Medicine, Sinai Health System
Classification: Uncertain significance for ATM-related cancer predisposition. Last evaluated: 2021-02-12. Review status: criteria provided, single submitter. Criteria: ACMG Guidelines, 2015. Collection method: clinical testing. Allele origin: germline. Affected: no.

Color Diagnostics, LLC DBA Color Health
Classification: Uncertain significance for Hereditary cancer-predisposing syndrome. Last evaluated: 2019-06-06. Review status: criteria provided, single submitter. Criteria: ACMG Guidelines, 2015. Collection method: clinical testing. Allele origin: germline.

Mendelics
Classification: Uncertain significance for Ataxia-telangiectasia syndrome. Last evaluated: 2019-05-28. Review status: criteria provided, single submitter. Criteria: Mendelics Assertion Criteria 2017. Collection method: clinical testing. Allele origin: unknown.

Literature cited by the submitters: PubMed 32957588 (cited by Ambry Genetics).

NM_000051.4(ATM):c.8066A>G (p.Glu2689Gly)

Genes: ATM (ATM serine/threonine kinase; plus strand), C11orf65 (chromosome 11 open reading frame 65; minus strand). Cytogenetic location: 11q22.3.
Variant type: single nucleotide variant.
Coding change: c.8066A>G on transcript NM_000051.4 (MANE Select); coding-DNA position 8066, A replaced by G.
Protein change: p.Glu2689Gly; replaces glutamic acid 2689 with glycine.
Molecular consequence: missense variant. On other transcripts: intron variant (2).
Genome position (GRCh38, 1-based): chr11:108,335,024, A>G. VCF-style: chr11-108335024-A-G. GRCh37 (hg19) VCF-style: chr11-108205751-A-G.
Other names: c.8066A>G, p.Glu2689Gly (NM_001351834.2); c.641-25953T>C (NM_001330368.2); c.*38+196T>C (NM_001351110.2); short protein forms E2689G.
Identifiers: ClinVar variation 489594 (VCV000489594.19), dbSNP rs759779781, ClinGen allele CA6266269.